The following is an entry in ClinVar:

ClinVar aggregate classification (germline): Uncertain significance (1 of 4 stars; one submission).

Conditions:
Schuurs-Hoeijmakers syndrome. Also called: PACS1-Related Neurodevelopmental Disorder. Identifiers: Orphanet 329224, MedGen C3554343, MONDO:0014006, OMIM 615009.

Submission:

Labcorp Genetics (formerly Invitae), Labcorp
Classification: Uncertain significance for Schuurs-Hoeijmakers syndrome. Last evaluated: 2023-11-24. Review status: criteria provided, single submitter. Criteria: Invitae Variant Classification Sherloc (09022015). Collection method: clinical testing. Allele origin: unknown.
Comment: This variant is a gross deletion of the genomic region encompassing exon(s) 5-24 of the PACS1 gene, which includes the termination codon. This deletion extends beyond the assayed region for this gene and therefore may encompass additional genes. While this deletion is not anticipated to lead to nonsense mediated decay, it is expected to alter mRNA translation or result in a truncated protein product. This variant has not been reported in the literature in individuals affected with PACS1-related conditions. Experimental studies and prediction algorithms are not available or were not evaluated, and the functional significance of this variant is currently unknown. In summary, the available evidence is currently insufficient to determine the role of this variant in disease. Therefore, it has been classified as a Variant of Uncertain Significance.

NC_000011.9:g.(?_65983570)_(66010751_?)del

Gene: PACS1 (phosphofurin acidic cluster sorting protein 1; plus strand). Cytogenetic location: 11q13.2.
Variant type: Deletion.
Identifiers: ClinVar variation 3244671 (VCV003244671.1).